The following is an entry in ClinVar:

NM_012144.4(DNAI1):c.229G>A (p.Ala77Thr)

Gene: DNAI1 (dynein axonemal intermediate chain 1; plus strand). Cytogenetic location: 9p13.3.
Variant type: single nucleotide variant.
Coding change: c.229G>A on transcript NM_012144.4 (MANE Select); coding-DNA position 229, G replaced by A.
Protein change: p.Ala77Thr; replaces alanine 77 with threonine.
Molecular consequence: missense variant.
Genome position (GRCh38, 1-based): chr9:34,485,485, G>A. VCF-style: chr9-34485485-G-A. GRCh37 (hg19) VCF-style: chr9-34485483-G-A.
Other names: c.229G>A, p.Ala77Thr (NM_001281428.2); short protein forms A77T.
Identifiers: ClinVar variation 4806592 (VCV004806592.1).

ClinVar aggregate classification (germline): Uncertain significance (1 of 4 stars; one submission).

Conditions:
Primary ciliary dyskinesia. Also called: Ciliary dyskinesia. Identifiers: Orphanet 244, MedGen C0008780, MONDO:0016575, HP:0012265.

gnomAD v4.1: 9 of 1,613,970 alleles (0.00056%); highest among the groups gnomAD compares: East Asian, 0.0045%; no homozygotes.

Submission:

Labcorp Genetics (formerly Invitae), Labcorp
Classification: Uncertain significance for Primary ciliary dyskinesia. Last evaluated: 2025-07-31. Review status: criteria provided, single submitter. Criteria: Invitae Variant Classification Sherloc (09022015). Collection method: clinical testing. Allele origin: germline.
Comment: This sequence change replaces alanine, which is neutral and non-polar, with threonine, which is neutral and polar, at codon 77 of the DNAI1 protein (p.Ala77Thr). This variant is present in population databases (rs765635363, gnomAD 0.005%). This variant has not been reported in the literature in individuals affected with DNAI1-related conditions. Invitae Evidence Modeling of protein sequence and biophysical properties (such as structural, functional, and spatial information, amino acid conservation, physicochemical variation, residue mobility, and thermodynamic stability) has been performed for this missense variant. However, the output from this modeling did not meet the statistical confidence thresholds required to predict the impact of this variant on DNAI1 protein function. In summary, the available evidence is currently insufficient to determine the role of this variant in disease. Therefore, it has been classified as a Variant of Uncertain Significance.